The following is an entry in ClinVar:

NM_001142800.2(EYS):c.4011_4012del (p.His1337fs)

Gene: EYS (EGF-like photoreceptor maintenance factor; minus strand). Cytogenetic location: 6q12.
Variant type: Microsatellite.
Coding change: c.4011_4012del on transcript NM_001142800.2 (MANE Select); coding-DNA positions 4011 to 4012, 2 bases deleted (CA; older notation c.4011_4012delCA).
Protein change: p.His1337fs; shifts the reading frame from histidine 1337.
Molecular consequence: frameshift variant.
Genome position (GRCh38, 1-based): chr6:64,591,855-64,591,856, TG deleted on the plus strand (CA on the coding strand, the reverse complement: EYS is on the minus strand); deleting any 2 consecutive bases within chr6:64,591,855-64,591,859 gives the same sequence; the c. name uses the placement nearest the transcript's 3' end. VCF-style (leftmost placement, unchanged base first): chr6-64591854-CTG-C. GRCh37 (hg19) VCF-style: chr6-65301747-CTG-C.
Other names: c.4011_4012del, p.His1337fs (NM_001292009.2); c.4011_4012delCA (NM_001142800.1, NM_001142800.2); short protein forms H1337fs.
Identifiers: ClinVar variation 1356305 (VCV001356305.10), dbSNP rs2149832523, ClinGen allele CA2580617284.

ClinVar aggregate classification (germline): Pathogenic/Likely pathogenic. Review status: criteria provided, multiple submitters, no conflicts (2 of 4 stars). 5 submissions from 5 submitters: Pathogenic (3); Likely pathogenic (2). Last evaluated 2024-11-25.

Conditions:
Retinal dystrophy. Also called: Inherited retinal dystrophy. Identifiers: Orphanet 71862, MedGen C0854723, MeSH D058499, MONDO:0019118, HP:0000556.
Retinitis pigmentosa 25 (RP25). Identifiers: Orphanet 791, MedGen C1864446, MONDO:0011272, OMIM 602772.

Submissions (5):

3billion
Classification: Pathogenic for Retinitis pigmentosa 25. Last evaluated: 2024-11-25. Review status: criteria provided, single submitter. Criteria: ACMG Guidelines, 2015. Collection method: clinical testing. Allele origin: germline. Affected: yes.
Comment: The variant is observed at an extremely low frequency in the gnomAD v4.1.0 dataset (total allele frequency: <0.001%). Predicted Consequence/Location: Frameshift: predicted to result in a loss or disruption of normal protein function through nonsense-mediated decay (NMD) or protein truncation. Multiple pathogenic variants are reported downstream of the variant. The variant has been reported at least twice as pathogenic without evidence for the classification (ClinVar ID: VCV001356305 /PMID: 36819107). Therefore, this variant is classified as Pathogenic according to the recommendation of ACMG/AMP guideline.

Natera, Inc.
Classification: Pathogenic for Retinitis pigmentosa type 25. Last evaluated: 2024-09-27. Review status: criteria provided, single submitter. Criteria: Natera Variant Classification Schema (03/2026). Collection method: clinical testing. Allele origin: germline.
Comment: The c.4011_4012delCA variant in EYS is a frameshift variant predicted to shift the reading frame beginning at codon 1337 and leads to a stop codon 20 codons downstream. This variant is expected to result in nonsense mediated decay, truncation, or a dysfunctional protein product. This variant is rare in the general population with a frequency below the threshold expected for the associated phenotype(s). This variant has been observed in one or more individuals affected with the associated recessive disease, as either homozygous or compound heterozygous with a second variant (PMID: 36819107). Given the available evidence, this variant is classified as Pathogenic.

Dept Of Ophthalmology, Nagoya University
Classification: Likely pathogenic for Retinal dystrophy. Last evaluated: 2023-10-01. Review status: criteria provided, single submitter. Criteria: Submitter's publication. Collection method: research. Allele origin: germline. Affected: yes.

Baylor Genetics
Classification: Likely pathogenic for Retinitis pigmentosa 25. Last evaluated: 2023-06-06. Review status: criteria provided, single submitter. Criteria: ACMG Guidelines, 2015. Collection method: clinical testing. Allele origin: unknown.

Labcorp Genetics (formerly Invitae), Labcorp
Classification: Pathogenic. Last evaluated: 2021-09-25. Review status: criteria provided, single submitter. Criteria: Invitae Variant Classification Sherloc (09022015). Collection method: clinical testing. Allele origin: germline.
Comment: This variant has not been reported in the literature in individuals affected with EYS-related conditions. This variant is not present in population databases (ExAC no frequency). This sequence change creates a premature translational stop signal (p.His1337Glnfs*20) in the EYS gene. It is expected to result in an absent or disrupted protein product. Loss-of-function variants in EYS are known to be pathogenic (PMID: 18836446, 20333770). For these reasons, this variant has been classified as Pathogenic.

Literature cited by the submitters: PubMed 36819107 (cited by 3billion and Natera, Inc.); PubMed 18836446 (cited by Labcorp Genetics (formerly Invitae), Labcorp); PubMed 20333770 (cited by Labcorp Genetics (formerly Invitae), Labcorp).